The following is an entry in ClinVar:

NC_000007.13:g.(24750008_24756872)_(24789413_24797325)dup

Gene: GSDME (gasdermin E; minus strand). Cytogenetic location: 7p15.3.
Variant type: Duplication.
Identifiers: ClinVar variation 3769222 (VCV003769222.2).

ClinVar aggregate classification (germline): Uncertain significance (1 of 4 stars; one submission).

Submission:

Women's Health and Genetics/Laboratory Corporation of America, LabCorp
Classification: Uncertain significance. Last evaluated: 2025-01-07. Review status: criteria provided, single submitter. Criteria: LabCorp Variant Classification Summary - May 2015. Collection method: clinical testing. Allele origin: germline.
Comment: Variant summary: The variant involves the duplication of exons 2-5 in the GSDME gene. A presumed nomenclature of c.(-20+1_-19-1)_(697+1_698-1)dup has been designated for the purposes of this classification. It is assumed to be a tandem duplication in direct orientation (PMIDs: 25640679, 30054569). This Copy Number Variant (CNV) is predicted to result in an in-frame duplication within this gene. The frequency of this variant in the general population could not be determined as the technology used for large population databases (ExAC, gnomAD, ESP, 1000G) cannot detect variants of this type. The available data on variant occurrences in the general population are insufficient to allow any conclusion about variant significance. To our knowledge, no occurrence of c.(-20+1_-19-1)_(697+1_698-1)dup in individuals affected with Autosomal Dominant Nonsyndromic Hearing Loss 5 and no experimental evidence demonstrating its impact on protein function have been reported. No submitters have cited clinical-significance assessments for this variant to ClinVar. Based on the evidence outlined above, the variant was classified as uncertain significance.